The following is an entry in ClinVar:

NM_000152.5(GAA):c.1222A>G (p.Met408Val)

Gene: GAA (alpha glucosidase; plus strand). Cytogenetic location: 17q25.3.
Variant type: single nucleotide variant.
Coding change: c.1222A>G on transcript NM_000152.5 (MANE Select); coding-DNA position 1222, A replaced by G.
Protein change: p.Met408Val; replaces methionine 408 with valine.
Molecular consequence: missense variant.
Genome position (GRCh38, 1-based): chr17:80,108,724, A>G. VCF-style: chr17-80108724-A-G. GRCh37 (hg19) VCF-style: chr17-78082523-A-G.
Other names: c.1222A>G (LRG_673t1); c.1222A>G, p.Met408Val (NM_001079803.3, NM_001079804.3); short protein forms M408V.
Identifiers: ClinVar variation 371235 (VCV000371235.21), dbSNP rs560575383, ClinGen allele CA8815236.

ClinVar aggregate classification (germline): Likely pathogenic. Review status: reviewed by expert panel (3 of 4 stars). 10 submissions from 10 submitters: Likely pathogenic (1). 9 of the submissions do not count toward it. Last evaluated 2024-05-06.

Conditions:
Glycogen storage disease, type II (IOPD). Also called: CARDIOMEGALIA GLYCOGENICA DIFFUSA; POMPE DISEASE, INFANTILE-ONSET; GLYCOGEN STORAGE DISEASE II, INFANTILE-ONSET; ACID ALPHA-GLUCOSIDASE DEFICIENCY, INFANTILE-ONSET; GAA DEFICIENCY, INFANTILE-ONSET; ACID MALTASE DEFICIENCY, INFANTILE-ONSET. Identifiers: Orphanet 365, MedGen C0017921, MONDO:0009290, OMIM 232300.

Allele frequency attached by ClinVar (database versions not stated): gnomAD exomes 0.00001 and 0.00002.
gnomAD v4.1: 27 of 1,612,556 alleles (0.0017%); highest among the groups gnomAD compares: Non-Finnish European, 0.0023%; no homozygotes.

Submissions 1 to 7 of 10:

ClinGen Lysosomal Storage Disorder Variant Curation Expert Panel
Classification: Likely pathogenic for Glycogen storage disease, type II. Last evaluated: 2024-05-06. Review status: reviewed by expert panel. Criteria: clingen_lsd_acmg_specifications_v2-1. Collection method: curation. Allele origin: germline. Inheritance: Autosomal recessive inheritance.
Comment: The NM_000152.5:c.1222A>G variant in GAA is predicted to result in the substitution of methionine by valine at amino acid 408 (p.Met408Val). Four patients have been reported with this variant; three with infantile onset Pompe disease and documented values showing GAA deficiency, at least two of them treated with enzyme replacement therapy (PMID: 11738358, 26497565, 34995642). Another patient has later onset symptoms with reduction of urine Glc4 on enzyme replacement therapy (PMID: 21687968) (PP4_Moderate). One individual is compound heterozygous for the variant and a variant in GAA that has been classified as pathogenic by the ClinGen Lysosomal Diseases Variant Curation Expert Panel, c.1579del, confirmed in trans (PMID: 34995642) (ClinVar Variation ID: 952947). Another patient is homozygous for the variant (PMID: 26497565). Two patients are compound heterozygous for the variant and either c.1000G>A (p.Gly334Ser) (PMID: 21687968) or c.1408_1410del (PMID: 11738358); the allelic data for these two patients will be used in the classification of the other variant and is not included here to avoid circular logic (PM3). When expressed in COS-7 cells, this variant results in <2% wild type GAA activity (PMID 19862843) (PS3_Supporting). The computational predictor REVEL gives a score of 0.637 which is neither above nor below the thresholds predicting a damaging (>0.7) or benign (<0.5) impact on GAA function. The highest population minor allele frequency in gnomAD v2.1.1 is 0.00002 (2/111716 alleles) in the European, non-Finnish population. There is a ClinVar entry for this variant (Variation ID: 371235). In summary, this variant meets the criteria to be classified as likely pathogenic for Pompe disease. The classification was first approved by the ClinGen Lysosomal Diseases Variant Curation Expert Panel on May 26, 2020. Since then, the data for this variant have been re-evaluated. The classification of likely pathogenic was reapproved on May 6, 2024. GAA-specific ACMG/AMP criteria met, as specified by the ClinGen Lysosomal Diseases Variant Curation Expert Panel (Specifications Version 2.0): PM3, PP4_Moderate, PS3_Supporting, PM2_Supporting.

Genomenon, Inc
Classification: Likely pathogenic for Glycogen storage disease, type II. Last evaluated: 2026-07-01. Review status: criteria provided, single submitter. Criteria: Genomenon Sequence Variant Interpretation Standards - Updated. Collection method: curation. Allele origin: germline. Affected: yes. Not counted in ClinVar's aggregate classification.
Comment: GAA p.Met408Val (c.1222A>G) is a missense variant that changes the amino acid at codon 408 from Methionine to Valine. This variant has been observed in at least one proband with a GAA-related disorder in the compound heterozygous and/or homozygous state (PMID:39835171;39010129;36137614;34995642;26497565;17616415;20157781;21687968). At least one functional study has demonstrated a substantial alteration in protein function relative to the wild-type (PMID:19862843). It is absent or not present at a significant frequency in gnomAD. In conclusion, we classify GAA p.Met408Val (c.1222A>G) as a likely pathogenic variant.

Myriad Genetics, Inc.
Classification: Likely pathogenic for Glycogen storage disease, type II. Last evaluated: 2026-04-03. Review status: criteria provided, single submitter. Criteria: Myriad Autosomal Dominant, Autosomal Recessive and X-Linked Classification Criteria (2023). Collection method: clinical testing. Allele origin: unknown. Not counted in ClinVar's aggregate classification.
Comment: NM_000152.3(GAA):c.1222A>G(M408V) is a missense variant classified as likely pathogenic in the context of Pompe disease. M408V has been observed in cases with relevant disease (PMID: 11738358, 20080426, 21687968, 26497565, 34995642, 37235686, 38186848). Relevant functional assessments of this variant are available in the literature (PMID: 19862843). M408V has been observed in referenced population frequency databases. In summary, NM_000152.3(GAA):c.1222A>G(M408V) is a missense variant that has functional support for pathogenicity and has been observed more frequently in cases with the relevant disease than in healthy populations. Please note: this variant was assessed in the context of healthy population screening.

Labcorp Genetics (formerly Invitae), Labcorp
Classification: Pathogenic for Glycogen storage disease, type II. Last evaluated: 2025-12-08. Review status: criteria provided, single submitter. Criteria: Invitae Variant Classification Sherloc (09022015). Collection method: clinical testing. Allele origin: germline. Not counted in ClinVar's aggregate classification.
Comment: This sequence change replaces methionine, which is neutral and non-polar, with valine, which is neutral and non-polar, at codon 408 of the GAA protein (p.Met408Val). This variant is present in population databases (rs560575383, gnomAD 0.002%). This missense change has been observed in individual(s) with Pompe disease (PMID: 11738358, 21687968). ClinVar contains an entry for this variant (Variation ID: 371235). Invitae Evidence Modeling of protein sequence and biophysical properties (such as structural, functional, and spatial information, amino acid conservation, physicochemical variation, residue mobility, and thermodynamic stability) indicates that this missense variant is expected to disrupt GAA protein function with a positive predictive value of 95%. Experimental studies have shown that this missense change affects GAA function (PMID: 19862843). For these reasons, this variant has been classified as Pathogenic.

GeneDx
Classification: Pathogenic. Last evaluated: 2024-07-03. Review status: criteria provided, single submitter. Criteria: GeneDx Variant Classification Process June 2021. Collection method: clinical testing. Allele origin: germline. Affected: yes. Not counted in ClinVar's aggregate classification.
Comment: Identified in the apparently homozygous state and with a second GAA variant in patients with infantile-onset Pompe disease in published literature (PMID: 11738358, 17616415, 21687968, 26497565); Not observed at significant frequency in large population cohorts (gnomAD); Published functional studies demonstrate a damaging effect as p.(M408V) had less than 2% wildtype GAA activity in transfected cells (PMID: 19862843); In silico analysis supports that this missense variant has a deleterious effect on protein structure/function; This variant is associated with the following publications: (PMID: 31589614, 19343043, 22253258, 30281819, 11738358, 31254424, 17616415, 20157781, 34995642, 19862843, 21687968, 26497565, 20080426)

Natera, Inc.
Classification: Pathogenic for Glycogen storage disease type II. Last evaluated: 2024-06-04. Review status: criteria provided, single submitter. Criteria: Natera Variant Classification Schema (03/2026). Collection method: clinical testing. Allele origin: germline. Not counted in ClinVar's aggregate classification.
Comment: The c.1222A>G variant in GAA is a missense variant predicted to cause substitution of methionine to valine at amino acid 408. This variant is rare in the general population with a frequency below the threshold expected for the associated phenotype(s). This variant has been observed in one or more individuals affected with the associated recessive disease, as either homozygous or compound heterozygous with a second variant (PMID: 26497565, 17210890, 34995642). Additionally, this variant has been observed to segregate in affected family members (PMID: 20157781). Functional studies show that this variant may disrupt protein function (PMID: 19862843). Computational prediction algorithms indicate this variant is likely to affect gene or protein function. Given the available evidence, this variant is classified as Pathogenic.

Genetics and Molecular Pathology, SA Pathology
Classification: Likely pathogenic for Glycogen storage disease, type II. Last evaluated: 2022-12-29. Review status: criteria provided, single submitter. Criteria: ACMG Guidelines, 2015. Collection method: clinical testing. Allele origin: germline. Inheritance: Autosomal recessive inheritance. Affected: yes. Not counted in ClinVar's aggregate classification.
Comment: The GAA c.1222A>G variant is classified as Likely Pathogenic (PM2_Supporting, PS3, PM3-supporting, PP4_Moderate) The GAA c.1222A>G variant is a single nucleotide change in exon 8/20 of the GAA gene, which is predicted to change the amino acid methionine at position 408 in the protein to valine. This variant is absent from population databases (PM2_supporting). Functional studies show that the variant results in less than 2% of wild-type GAA activity (PMID:19862843) (PS3). This variant has been detected as homozygous and compound heterozygous in affected patients (PMID:26497565, 11738358) (PM3_supporting). The clinical features of this case are highly specific for a variant in the GAA gene (PP4_moderate). The variant has been reported in dbSNP (rs560575383) and in the HGMD database (CM020004). It has been reported as Likely pathogenic by other diagnostic laboratories (ClinVar Variation ID: 371235).